The following is an entry in ClinVar:

ClinVar aggregate classification (germline): Uncertain significance (1 of 4 stars; one submission).

gnomAD v4.1: 2 of 1,596,434 alleles (0.00013%); highest among the groups gnomAD compares: South Asian, 0.0011%; no homozygotes.

Submission:

Labcorp Genetics (formerly Invitae), Labcorp
Classification: Uncertain significance. Last evaluated: 2021-12-19. Review status: criteria provided, single submitter. Criteria: Invitae Variant Classification Sherloc (09022015). Collection method: clinical testing. Allele origin: germline.
Comment: This sequence change replaces arginine, which is basic and polar, with lysine, which is basic and polar, at codon 544 of the PNPLA8 protein (p.Arg544Lys). This variant is present in population databases (rs775654542, gnomAD 0.004%). This variant has not been reported in the literature in individuals affected with PNPLA8-related conditions. Algorithms developed to predict the effect of missense changes on protein structure and function output the following: SIFT: "Tolerated"; PolyPhen-2: "Benign"; Align-GVGD: "Class C0". The lysine amino acid residue is found in multiple mammalian species, which suggests that this missense change does not adversely affect protein function. In summary, the available evidence is currently insufficient to determine the role of this variant in disease. Therefore, it has been classified as a Variant of Uncertain Significance.

NM_001256007.3(PNPLA8):c.1631G>A (p.Arg544Lys)

Gene: PNPLA8 (patatin like domain 8, phospholipase A2; minus strand). Cytogenetic location: 7q31.1.
Variant type: single nucleotide variant.
Coding change: c.1631G>A on transcript NM_001256007.3 (MANE Select); coding-DNA position 1631, G replaced by A.
Protein change: p.Arg544Lys; replaces arginine 544 with lysine.
Molecular consequence: missense variant.
Genome position (GRCh38, 1-based): chr7:108,491,462, C>T on the plus strand (G>A on the coding strand, the complement: PNPLA8 is on the minus strand). VCF-style: chr7-108491462-C-T. GRCh37 (hg19) VCF-style: chr7-108131906-C-T.
Other names: c.1631G>A, p.Arg544Lys (NM_001256008.3, NM_001256009.3, NM_015723.5); c.1331G>A, p.Arg444Lys (NM_001256010.3, NM_001256011.3); short protein forms R444K, R544K.
Identifiers: ClinVar variation 2047909 (VCV002047909.1), dbSNP rs775654542, ClinGen allele CA4439513.